The following is an entry in ClinVar:

NM_031448.6(C19orf12):c.*2100G>T

Gene: C19orf12 (chromosome 19 open reading frame 12; minus strand). Cytogenetic location: 19q12.
Variant type: single nucleotide variant.
Coding change: c.*2100G>T on transcript NM_031448.6 (MANE Select); 2100 bases downstream of the stop codon, G replaced by T.
Molecular consequence: 3 prime UTR variant.
Genome position (GRCh38, 1-based): chr19:29,700,612, C>A on the plus strand (G>T on the coding strand, the complement: C19orf12 is on the minus strand). VCF-style: chr19-29700612-C-A. GRCh37 (hg19) VCF-style: chr19-30191519-C-A.
Other names: c.*2100G>T (NM_001031726.4, NM_001256047.2, NM_001282929.1 and 2 more transcripts); c.*2147G>T (NM_001256046.3).
Identifiers: ClinVar variation 328689 (VCV000328689.6), dbSNP rs74854677, ClinGen allele CA9351705.

ClinVar aggregate classification (germline): Benign. Review status: criteria provided, multiple submitters, no conflicts (2 of 4 stars). 2 submissions from 2 submitters: Benign (2). Last evaluated 2018-01-13.

Conditions:
Neurodegeneration with brain iron accumulation 4 (NBIA4). Also called: MITOCHONDRIAL PROTEIN-ASSOCIATED NEURODEGENERATION. Identifiers: Orphanet 289560, MedGen C3280371, MONDO:0013674, OMIM 614298. Disease mechanism: loss of function.

Allele frequency attached by ClinVar (database versions not stated): ExAC 0.03976; 1000 Genomes Project 0.04153; 1000 Genomes Project 30x 0.04310; gnomAD exomes 0.08355 and 0.10425; TOPMed 0.08935; gnomAD 0.09403 and 0.09891.
gnomAD v4.1: 46,012 of 454,124 alleles (10%); highest among the groups gnomAD compares: Non-Finnish European, 15%; 3,291 homozygotes.

Submissions (2):

Illumina Laboratory Services, Illumina
Classification: Benign for Neurodegeneration with brain iron accumulation 4. Last evaluated: 2018-01-13. Review status: criteria provided, single submitter. Criteria: ICSL Variant Classification Criteria 13 December 2019. Collection method: clinical testing. Allele origin: germline.
Comment: This variant was observed in the ICSL laboratory as part of a predisposition screen in an ostensibly healthy population. It had not been previously curated by ICSL or reported in the Human Gene Mutation Database (HGMD: prior to June 1st, 2018), and was therefore a candidate for classification through an automated scoring system. Utilizing variant allele frequency, disease prevalence and penetrance estimates, and inheritance mode, an automated score was calculated to assess if this variant is too frequent to cause the disease. Based on the score and internal cut-off values, a variant classified as benign is not then subjected to further curation. The score for this variant resulted in a classification of benign for this disease.

Breakthrough Genomics
Classification: Benign. Review status: criteria provided, single submitter. Criteria: ACMG Guidelines, 2015. Collection method: not provided. Allele origin: germline. Inheritance: Autosomal recessive inheritance. Affected: yes.